The following is an entry in ClinVar:

NM_000179.3(MSH6):c.464A>T (p.Lys155Ile)

Gene: MSH6 (mutS homolog 6; plus strand). Cytogenetic location: 2p16.3.
Variant type: single nucleotide variant.
Coding change: c.464A>T on transcript NM_000179.3 (MANE Select); coding-DNA position 464, A replaced by T.
Protein change: p.Lys155Ile; replaces lysine 155 with isoleucine.
Molecular consequence: missense variant. On other transcripts: non-coding transcript variant (5), intron variant (8), 5 prime UTR variant (5).
Genome position (GRCh38, 1-based): chr2:47,795,900, A>T. VCF-style: chr2-47795900-A-T. GRCh37 (hg19) VCF-style: chr2-48023039-A-T.
Other names: c.167A>T, p.Lys56Ile (NM_001406827.1, NM_001406828.1, NM_001406830.1 and 10 more transcripts); c.464A>T, p.Lys155Ile (NM_001407362.1, NM_001406796.1, NM_001406798.1 and 5 more transcripts); c.-279-2711A>T (NM_001406811.1, NM_001281493.2, NM_001406812.1 and 4 more transcripts); c.238-2711A>T (NM_001281492.2); c.-439A>T (NM_001281494.2); c.560A>T, p.Lys187Ile (NM_001406795.1, NM_001406802.1); c.-62A>T (NM_001406799.1, NM_001406806.1, NM_001406807.1); c.386A>T, p.Lys129Ile (NM_001406804.1); and 3 more; short protein forms K157I, K155I, K187I, K99I, K129I, K56I.
Identifiers: ClinVar variation 4111207 (VCV004111207.1).

ClinVar aggregate classification (germline): Uncertain significance (1 of 4 stars; one submission).

Conditions:
Hereditary cancer-predisposing syndrome. Also called: Tumor predisposition; Neoplastic Syndromes, Hereditary; Hereditary neoplastic syndrome; Hereditary Cancer Syndrome. Identifiers: Orphanet 140162, MedGen C0027672, MeSH D009386, MONDO:0015356.

Submission:

Ambry Genetics
Classification: Uncertain significance for Hereditary cancer-predisposing syndrome. Last evaluated: 2025-07-17. Review status: criteria provided, single submitter. Criteria: Ambry Variant Classification Scheme 2023. Collection method: clinical testing. Allele origin: germline.
Comment: The p.K155I variant (also known as c.464A>T), located in coding exon 3 of the MSH6 gene, results from an A to T substitution at nucleotide position 464. The lysine at codon 155 is replaced by isoleucine, an amino acid with dissimilar properties. This amino acid position is conserved. In addition, this alteration is predicted to be tolerated by in silico analysis. Based on the available evidence, the clinical significance of this variant remains unclear.